The following is an entry in ClinVar:

ClinVar aggregate classification (germline): Pathogenic (1 of 4 stars; one submission).

Conditions:
Kennedy disease (SMAX1). Also called: SPINAL AND BULBAR MUSCULAR ATROPHY, X-LINKED 1; KENNEDY SPINAL AND BULBAR MUSCULAR ATROPHY; Spinal and Bulbar Muscular Atrophy. Identifiers: Orphanet 481, MedGen C1839259, MONDO:0010735, OMIM 313200.
Androgen resistance syndrome (AIS). Also called: Androgen insensitivity, complete; ANDROGEN RECEPTOR DEFICIENCY; DIHYDROTESTOSTERONE RECEPTOR DEFICIENCY; Androgen insensitivity syndrome due to coactivator deficiency; Androgen insensitivity; TESTICULAR FEMINIZATION SYNDROME. Identifiers: Orphanet 754, Orphanet 99429, MedGen C0039585, MONDO:0019154, OMIM 300068. Disease mechanism: loss of function.

Submission:

Labcorp Genetics (formerly Invitae), Labcorp
Classification: Pathogenic for Kennedy disease; Androgen resistance syndrome. Last evaluated: 2024-03-13. Review status: criteria provided, single submitter. Criteria: Invitae Variant Classification Sherloc (09022015). Collection method: clinical testing. Allele origin: germline.
Comment: This sequence change creates a premature translational stop signal (p.Gln493*) in the AR gene. It is expected to result in an absent or disrupted protein product. Loss-of-function variants in AR are known to be pathogenic (PMID: 19463997). This variant is not present in population databases (gnomAD no frequency). This premature translational stop signal has been observed in individual(s) with clinical features of androgen insensitivity syndrome (PMID: 28947719). ClinVar contains an entry for this variant (Variation ID: 1410848). For these reasons, this variant has been classified as Pathogenic.

Literature cited by the submitters: PubMed 19463997; PubMed 28947719.

NM_000044.6(AR):c.1477C>T (p.Gln493Ter)

Gene: AR (androgen receptor; plus strand). Cytogenetic location: Xq12.
Variant type: single nucleotide variant.
Coding change: c.1477C>T on transcript NM_000044.6 (MANE Select); coding-DNA position 1477, C replaced by T.
Protein change: p.Gln493Ter; replaces glutamine 493 with a stop codon.
Molecular consequence: nonsense. On other transcripts: 5 prime UTR variant (1).
Genome position (GRCh38, 1-based): chrX:67,546,623, C>T. VCF-style: chrX-67546623-C-T. GRCh37 (hg19) VCF-style: chrX-66766465-C-T.
Other names: c.-307C>T (NM_001011645.3); c.1477C>T, p.Gln493Ter (NM_001348061.1, NM_001348063.1, NM_001348064.1); short protein forms Q493*.
Identifiers: ClinVar variation 1410848 (VCV001410848.8), dbSNP rs2147322621, ClinGen allele CA413427447.
Genomic context (GRCh38, chrX:67,546,623, plus strand): 5'-GGCGAGGCGGGAGCTGTAGCCCCCTACGGCTACACTCGGCCCCCTCAGGGGCTGGCGGGC[C>T]AGGAAAGCGACTTCACCGCACCTGATGTGTGGTACCCTGGCGGCATGGTGAGCAGAGTGC-3'